The following is an entry in ClinVar:

ClinVar aggregate classification (germline): Uncertain significance. Review status: criteria provided, multiple submitters, no conflicts (2 of 4 stars). 4 submissions from 4 submitters: Uncertain significance (4). Last evaluated 2025-08-01.

Conditions:
Hereditary cancer-predisposing syndrome. Also called: Neoplastic Syndromes, Hereditary; Hereditary Cancer Syndrome; Hereditary neoplastic syndrome; Tumor predisposition. Identifiers: Orphanet 140162, MedGen C0027672, MeSH D009386, MONDO:0015356.
Fanconi anemia complementation group J. Also called: BRIP1-Related Fanconi Anemia. Identifiers: Orphanet 84, MedGen C1836860, MONDO:0012187, OMIM 609054.
Familial cancer of breast. Also called: hereditary breast carcinoma; BREAST CANCER, FAMILIAL; Hereditary breast cancer. Identifiers: Orphanet 227535, MedGen C0346153, MONDO:0016419, OMIM 114480. Disease mechanism: loss of function.

Allele frequency attached by ClinVar (database versions not stated): gnomAD exomes 0.00001; TOPMed 0.00001.
gnomAD v4.1: 9 of 1,612,578 alleles (0.00056%); highest among the groups gnomAD compares: East Asian, 0.0045%; no homozygotes.

Submissions (4):

Ambry Genetics
Classification: Uncertain significance for Hereditary cancer-predisposing syndrome. Last evaluated: 2025-08-01. Review status: criteria provided, single submitter. Criteria: Ambry Variant Classification Scheme 2023. Collection method: clinical testing. Allele origin: germline.
Comment: The p.P23L variant (also known as c.68C>T), located in coding exon 1 of the BRIP1 gene, results from a C to T substitution at nucleotide position 68. The proline at codon 23 is replaced by leucine, an amino acid with similar properties. This amino acid position is highly conserved in available vertebrate species. In addition, the in silico prediction for this alteration is inconclusive. Since supporting evidence is limited at this time, the clinical significance of this alteration remains unclear.

Labcorp Genetics (formerly Invitae), Labcorp
Classification: Uncertain significance for Familial cancer of breast; Fanconi anemia complementation group J. Last evaluated: 2024-09-02. Review status: criteria provided, single submitter. Criteria: Invitae Variant Classification Sherloc (09022015). Collection method: clinical testing. Allele origin: germline.
Comment: This sequence change replaces proline, which is neutral and non-polar, with leucine, which is neutral and non-polar, at codon 23 of the BRIP1 protein (p.Pro23Leu). This variant is present in population databases (no rsID available, gnomAD 0.006%). This variant has not been reported in the literature in individuals affected with BRIP1-related conditions. ClinVar contains an entry for this variant (Variation ID: 826693). Invitae Evidence Modeling of protein sequence and biophysical properties (such as structural, functional, and spatial information, amino acid conservation, physicochemical variation, residue mobility, and thermodynamic stability) indicates that this missense variant is expected to disrupt BRIP1 protein function with a positive predictive value of 80%. In summary, the available evidence is currently insufficient to determine the role of this variant in disease. Therefore, it has been classified as a Variant of Uncertain Significance.

Fulgent Genetics
Classification: Uncertain significance for Familial cancer of breast; Fanconi anemia complementation group J. Last evaluated: 2024-02-17. Review status: criteria provided, single submitter. Criteria: ACMG Guidelines, 2015. Collection method: clinical testing. Allele origin: germline.

Color Diagnostics, LLC DBA Color Health
Classification: Uncertain significance for Hereditary cancer-predisposing syndrome. Last evaluated: 2024-01-05. Review status: criteria provided, single submitter. Criteria: ACMG Guidelines, 2015. Collection method: clinical testing. Allele origin: germline.
Comment: This missense variant replaces proline with leucine at codon 23 of the BRIP1 protein. Computational prediction is inconclusive regarding the impact of this variant on protein structure and function. To our knowledge, functional studies have not been reported for this variant. This variant has not been reported in individuals affected with hereditary cancer in the literature. This variant has been identified in 2/251286 chromosomes in the general population by the Genome Aggregation Database (gnomAD). The available evidence is insufficient to determine the role of this variant in disease conclusively. Therefore, this variant is classified as a Variant of Uncertain Significance.

NM_032043.3(BRIP1):c.68C>T (p.Pro23Leu)

Gene: BRIP1 (BRCA1 interacting DNA helicase 1; minus strand). Cytogenetic location: 17q23.2.
Variant type: single nucleotide variant.
Coding change: c.68C>T on transcript NM_032043.3 (MANE Select); coding-DNA position 68, C replaced by T.
Protein change: p.Pro23Leu; replaces proline 23 with leucine.
Molecular consequence: missense variant.
Genome position (GRCh38, 1-based): chr17:61,861,472, G>A on the plus strand (C>T on the coding strand, the complement: BRIP1 is on the minus strand). VCF-style: chr17-61861472-G-A. GRCh37 (hg19) VCF-style: chr17-59938833-G-A.
Other names: short protein forms P23L.
Identifiers: ClinVar variation 826693 (VCV000826693.16), dbSNP rs1292425366, ClinGen allele CA400485949.